The following is an entry in ClinVar:

NM_001369369.1(FOXN1):c.1201_1216del (p.Pro401fs)

Gene: FOXN1 (forkhead box N1; plus strand). Cytogenetic location: 17q11.2.
Variant type: Deletion.
Coding change: c.1201_1216del on transcript NM_001369369.1 (MANE Select); coding-DNA positions 1201 to 1216, 16 bases deleted (CCCCCTGGGCTGTCCG).
Protein change: p.Pro401fs; shifts the reading frame from proline 401.
Molecular consequence: frameshift variant.
Genome position (GRCh38, 1-based): chr17:28,534,772-28,534,787, CCCCCTGGGCTGTCCG deleted; deleting any 16 consecutive bases within chr17:28,534,759-28,534,787 gives the same sequence; the c. name uses the placement nearest the transcript's 3' end. VCF-style (leftmost placement, unchanged base first): chr17-28534758-TCCTGGGCTGTCCGCCC-T. GRCh37 (hg19) VCF-style: chr17-26861776-TCCTGGGCTGTCCGCCC-T.
Other names: NM_001369369.1(FOXN1):c.1201_1216del; p.Pro401fs; c.1201_1216delCCCCCTGGGCTGTCCG (NM_003593.2); c.1201_1216del16 (NM_003593.2); c.1201_1216del, p.Pro401fs (NM_003593.3); short protein forms P401fs.
Identifiers: ClinVar variation 418218 (VCV000418218.22), dbSNP rs1064793129, ClinGen allele CA16620352.
Genomic context (GRCh38, chr17:28,534,758, plus strand): 5'-GCCTTTCAGAAGAGCTGGACAGCCTCATTGGAGACAAGAGAGAAAAGCTGGGCTCCCCAC[TCCTGGGCTGTCCGCCC>T]CCTGGGCTGTCCGGCTCAGGCCCCATCCGGCCCCTGGCACCCCCAGCTGGCCTCTCCCCA-3'

ClinVar aggregate classification (germline): Pathogenic. Review status: reviewed by expert panel (3 of 4 stars). 6 submissions from 6 submitters: Pathogenic (1). 5 of the submissions do not count toward it. Last evaluated 2024-07-29.

Conditions:
T-cell lymphopenia, infantile, with or without nail dystrophy, autosomal dominant. Identifiers: Orphanet 676039, MedGen C5394133, MONDO:0032928, OMIM 618806.
T-cell immunodeficiency, congenital alopecia, and nail dystrophy. Also called: Congenital alopecia and nail dystrophy associated with severe functional T-cell immunodeficiency; Pignata Guarino syndrome. Identifiers: Orphanet 169095, MedGen C1866426, MONDO:0011132, OMIM 601705.

Submissions (6):

ClinGen Severe Combined Immunodeficiency Variant Curation Expert Panel, ClinGen
Classification: Pathogenic for T-cell immunodeficiency, congenital alopecia, and nail dystrophy. Last evaluated: 2024-07-29. Review status: reviewed by expert panel. Criteria: ClinGen SCID ACMG Specifications FOXN1 V1.0.0. Collection method: curation. Allele origin: germline. Inheritance: Semidominant inheritance.
Comment: The NM_001369369.1(FOXN1):c.1201_1216del (p.Pro401AlafsTer?) frameshift variant in exon 8 results in a premature stop codon in the final exon (exon 9) at codon 544. It is not predicted to cause NMD but would truncate 16% of the protein, including most of the transactivation domain which is critical to protein function (PVS1_Strong). This variant is absent from gnomADv2.1.1 (PM2_supporting). This variant has been reported heterozygous in at least 10 patients (PS4) with T lymphopenia, particularly low CD8+ cell counts, at least one of whom also had nail dystrophy (P13 of PMID: 31447097; PP4). In summary this variant meets criteria to be classified as pathogenic for semidominant T-cell immunodeficiency, congenital alopecia, and nail dystrophy due to FOXN1 deficiency based on the ACMG/AMP criteria applied: PVS1_strong, PM2_supporting, PS4 and PP4 as specified by the ClinGen SCID VCEP FOXN1 subgroup.

Genomic Medicine Center of Excellence, King Faisal Specialist Hospital and Research Centre
Classification: Pathogenic for T-cell immunodeficiency, congenital alopecia, and nail dystrophy. Last evaluated: 2025-09-10. Review status: criteria provided, single submitter. Criteria: ACMG Guidelines, 2015. Collection method: clinical testing. Allele origin: germline. Not counted in ClinVar's aggregate classification.

Labcorp Genetics (formerly Invitae), Labcorp
Classification: Pathogenic for T-cell immunodeficiency, congenital alopecia, and nail dystrophy. Last evaluated: 2025-08-21. Review status: criteria provided, single submitter. Criteria: Invitae Variant Classification Sherloc (09022015). Collection method: clinical testing. Allele origin: germline. Not counted in ClinVar's aggregate classification.
Comment: This sequence change creates a premature translational stop signal (p.Pro401Alafs*144) in the FOXN1 gene. While this is not anticipated to result in nonsense mediated decay, it is expected to disrupt the last 248 amino acid(s) of the FOXN1 protein. This variant is not present in population databases (gnomAD no frequency). This premature translational stop signal has been observed in individuals with FOXN1 haploinsufficiency (PMID: 31447097, 31566583; internal data). ClinVar contains an entry for this variant (Variation ID: 418218). Algorithms developed to predict the effect of variants on gene product structure and function are not available or were not evaluated for this variant. Experimental studies have shown that this premature translational stop signal affects FOXN1 function (PMID: 31566583). This variant disrupts a region of the FOXN1 protein in which other variant(s) (p.Gln489Argfs*61) have been determined to be pathogenic (PMID: 31566583). This suggests that this is a clinically significant region of the protein, and that variants that disrupt it are likely to be disease-causing. For these reasons, this variant has been classified as Pathogenic.

CeGaT Center for Human Genetics Tuebingen
Classification: Likely pathogenic. Last evaluated: 2025-03-01. Review status: criteria provided, single submitter. Criteria: CeGaT Center For Human Genetics Tuebingen Variant Classification Criteria Version 2. Collection method: clinical testing. Allele origin: germline. Affected: yes. Observed: 1 variant allele. Not counted in ClinVar's aggregate classification.
Comment: FOXN1: PVS1:Strong, PM2, PS4:Moderate

GeneDx
Classification: Likely pathogenic. Last evaluated: 2017-06-19. Review status: criteria provided, single submitter. Criteria: GeneDx Variant Classification (06012015). Collection method: clinical testing. Allele origin: germline. Affected: yes. Not counted in ClinVar's aggregate classification.
Comment: The c.1201_1216del16 variant in the FOXN1 gene has not been published as a pathogenic variant, nor has it been reported as a benign variant to our knowledge. The c.1201_1216del16 variant causes a frameshift starting with codon Proline 401, changes this amino acid to an Alanine residue and creates a premature Stop codon at position 144 of the new reading frame, denoted p.Pro401AlafsX144. This variant is predicted to replace the last 248 amino acids of the protein with 143 incorrect amino acids. The c.1201_1216del16 variant was not observed in approximately 6,500 individuals of European and African American ancestry in the NHLBI Exome Sequencing Project, indicating it is not a common benign variant in these populations. Therefore, this variant is likely pathogenic; however, the possibility that it is benign cannot be excluded.

OMIM
Classification: Pathogenic for T-CELL LYMPHOPENIA, INFANTILE, WITH OR WITHOUT NAIL DYSTROPHY, AUTOSOMAL DOMINANT. Last evaluated: 2020-11-11. Review status: no assertion criteria provided. Collection method: literature only. Allele origin: germline. Not counted in ClinVar's aggregate classification.

Literature cited by the submitters: PubMed 31447097 (cited by Labcorp Genetics (formerly Invitae), Labcorp and OMIM); PubMed 31566583 (cited by Labcorp Genetics (formerly Invitae), Labcorp).